The following is an entry in ClinVar:

ClinVar aggregate classification (germline): Benign. Review status: criteria provided, multiple submitters, no conflicts (2 of 4 stars). 4 submissions from 4 submitters: Benign (3). 1 of the submissions does not count toward it. Last evaluated 2026-02-03.

Conditions:
SUN1-related disorder. Also called: SUN1-related condition.
Emery-Dreifuss muscular dystrophy (EDMD). Also called: Scapuloperoneal syndrome, X-linked (formerly); Humeroperoneal neuromuscular disease, (formerly). Identifiers: Orphanet 261, MedGen C0410189, MONDO:0016830.

Allele frequency attached by ClinVar (database versions not stated): ExAC 0.46669; gnomAD exomes 0.46762; ESP Exome Variant Server 0.47546; gnomAD 0.49783 and 0.50005; TOPMed 0.50372; 1000 Genomes Project 30x 0.52811; 1000 Genomes Project 0.53295.
gnomAD v4.1: 732,569 of 1,613,806 alleles (45%); highest among the groups gnomAD compares: East Asian, 61%; 168,625 homozygotes.

Submissions (4):

Labcorp Genetics (formerly Invitae), Labcorp
Classification: Benign for Emery-Dreifuss muscular dystrophy. Last evaluated: 2026-02-03. Review status: criteria provided, single submitter. Criteria: Invitae Variant Classification Sherloc (09022015). Collection method: clinical testing. Allele origin: germline.

Mayo Clinic Laboratories, Mayo Clinic
Classification: Benign. Last evaluated: 2022-03-24. Review status: criteria provided, single submitter. Criteria: ACMG Guidelines, 2015. Collection method: clinical testing. Allele origin: germline. Observed: 293 variant alleles.

GeneDx
Classification: Benign. Last evaluated: 2021-05-04. Review status: criteria provided, single submitter. Criteria: GeneDx Variant Classification Process June 2021. Collection method: clinical testing. Allele origin: germline. Affected: yes.

PreventionGenetics, part of Exact Sciences
Classification: Benign for SUN1-related condition. Last evaluated: 2019-05-08. Review status: no assertion criteria provided. Collection method: clinical testing. Allele origin: germline. Not counted in ClinVar's aggregate classification.
Comment: This variant is classified as benign based on ACMG/AMP sequence variant interpretation guidelines (Richards et al. 2015 PMID: 25741868, with internal and published modifications).

NM_001130965.3(SUN1):c.352C>T (p.His118Tyr)

Gene: SUN1 (Sad1 and UNC84 domain containing 1; plus strand). Cytogenetic location: 7p22.3.
Variant type: single nucleotide variant.
Coding change: c.352C>T on transcript NM_001130965.3 (MANE Select); coding-DNA position 352, C replaced by T.
Protein change: p.His118Tyr; replaces histidine 118 with tyrosine.
Molecular consequence: missense variant. On other transcripts: 5 prime UTR variant (4), non-coding transcript variant (3).
Genome position (GRCh38, 1-based): chr7:842,031, C>T. VCF-style: chr7-842031-C-T. GRCh37 (hg19) VCF-style: chr7-881668-C-T.
Other names: p.His118Tyr; c.352C>T, p.His118Tyr (NM_001367705.1, NM_001367702.1, NM_001367703.1 and 34 more transcripts); c.202C>T, p.His68Tyr (NM_001367706.1, NM_025154.6, NM_001367636.1 and 24 more transcripts); c.-216C>T (NM_001367708.1, NM_001367639.1); c.415C>T, p.His139Tyr (NM_001171945.2); c.-106C>T (NM_001367635.1); c.571C>T, p.His191Tyr (NM_001367651.1); c.-410C>T (NM_001367658.1); and 1 more; short protein forms H118Y, H139Y, H191Y, H55Y, H68Y.
Identifiers: ClinVar variation 1165168 (VCV001165168.15), dbSNP rs6461378, ClinGen allele CA4111476.
Genomic context (GRCh38, chr7:842,031, plus strand): 5'-AACAAATCAGCTTTTAGTATCAACCACGTGTCAAGGCAGGTCACGTCCTCTGGCGTCAGC[C>T]ACGGCGGCACTGTCAGCCTGCAGGATGCTGTGACTCGACGGCCTCCTGTATTGGACGAGT-3'
Protein context (NP_001124437.1, residues 108-128): SRQVTSSGVS[His118Tyr]GGTVSLQDAV